The following is an entry in ClinVar:

ClinVar aggregate classification (germline): Uncertain significance. Review status: criteria provided, multiple submitters, no conflicts (2 of 4 stars). 3 submissions from 3 submitters: Uncertain significance (3). Last evaluated 2024-07-11.

Conditions:
Hereditary cancer-predisposing syndrome. Also called: Hereditary neoplastic syndrome; Neoplastic Syndromes, Hereditary; Tumor predisposition; Hereditary Cancer Syndrome. Identifiers: Orphanet 140162, MedGen C0027672, MeSH D009386, MONDO:0015356.
Familial meningioma. Also called: Meningioma, familial, susceptibility to. Identifiers: Orphanet 263662, MedGen C3551915, MONDO:0011789, OMIM 607174.

Allele frequency attached by ClinVar (database versions not stated): gnomAD exomes below 0.00001.
gnomAD v4.1: 3 of 1,614,008 alleles (0.00019%); highest among the groups gnomAD compares: Middle Eastern, 0.016%; no homozygotes.

Submissions (3):

Ambry Genetics
Classification: Uncertain significance for Hereditary cancer-predisposing syndrome. Last evaluated: 2024-07-11. Review status: criteria provided, single submitter. Criteria: Ambry Variant Classification Scheme 2023. Collection method: clinical testing. Allele origin: germline.
Comment: The p.M340L variant (also known as c.1018A>T), located in coding exon 9 of the SMARCE1 gene, results from an A to T substitution at nucleotide position 1018. The methionine at codon 340 is replaced by leucine, an amino acid with highly similar properties. This amino acid position is well conserved in available vertebrate species. In addition, this alteration is predicted to be tolerated by in silico analysis. Since supporting evidence is limited at this time, the clinical significance of this alteration remains unclear.

Labcorp Genetics (formerly Invitae), Labcorp
Classification: Uncertain significance for Familial meningioma. Last evaluated: 2022-08-18. Review status: criteria provided, single submitter. Criteria: Invitae Variant Classification Sherloc (09022015). Collection method: clinical testing. Allele origin: germline.
Comment: In summary, the available evidence is currently insufficient to determine the role of this variant in disease. Therefore, it has been classified as a Variant of Uncertain Significance. This sequence change replaces methionine, which is neutral and non-polar, with leucine, which is neutral and non-polar, at codon 340 of the SMARCE1 protein (p.Met340Leu). This variant is not present in population databases (gnomAD no frequency). This variant has not been reported in the literature in individuals affected with SMARCE1-related conditions. Algorithms developed to predict the effect of missense changes on protein structure and function are either unavailable or do not agree on the potential impact of this missense change (SIFT: "Deleterious"; PolyPhen-2: "Benign"; Align-GVGD: "Class C0").

CeGaT Center for Human Genetics Tuebingen
Classification: Uncertain significance. Last evaluated: 2022-06-01. Review status: criteria provided, single submitter. Criteria: CeGaT Center For Human Genetics Tuebingen Variant Classification Criteria Version 2. Collection method: clinical testing. Allele origin: germline. Affected: yes. Observed: 1 variant allele.
Comment: SMARCE1: PM2, BP4

NM_003079.5(SMARCE1):c.1018A>T (p.Met340Leu)

Gene: SMARCE1 (SWI/SNF related BAF chromatin remodeling complex subunit E1; minus strand). Cytogenetic location: 17q21.2.
Variant type: single nucleotide variant.
Coding change: c.1018A>T on transcript NM_003079.5 (MANE Select); coding-DNA position 1018, A replaced by T.
Protein change: p.Met340Leu; replaces methionine 340 with leucine.
Molecular consequence: missense variant.
Genome position (GRCh38, 1-based): chr17:40,630,723, T>A on the plus strand (A>T on the coding strand, the complement: SMARCE1 is on the minus strand). VCF-style: chr17-40630723-T-A. GRCh37 (hg19) VCF-style: chr17-38786975-T-A.
Other names: short protein forms M340L.
Identifiers: ClinVar variation 1749933 (VCV001749933.32), dbSNP rs2508595760, ClinGen allele CA399363117.